The following is an entry in ClinVar:

NM_030973.4(MED25):c.1677G>T (p.Met559Ile)

Gene: MED25 (mediator complex subunit 25; plus strand). Cytogenetic location: 19q13.33.
Variant type: single nucleotide variant.
Coding change: c.1677G>T on transcript NM_030973.4 (MANE Select); coding-DNA position 1677, G replaced by T.
Protein change: p.Met559Ile; replaces methionine 559 with isoleucine.
Molecular consequence: missense variant.
Genome position (GRCh38, 1-based): chr19:49,835,536, G>T. VCF-style: chr19-49835536-G-T. GRCh37 (hg19) VCF-style: chr19-50338793-G-T.
Other names: c.1677G>T, p.Met559Ile (NM_001378355.1); short protein forms M559I.
Identifiers: ClinVar variation 1502368 (VCV001502368.6), dbSNP rs369006637, ClinGen allele CA406919381.

ClinVar aggregate classification (germline): Uncertain significance (1 of 4 stars; one submission).

Conditions:
Charcot-Marie-Tooth disease type 2. Also called: Charcot-Marie-Tooth type 2. Identifiers: Orphanet 64746, MedGen C0270914, MONDO:0018993.

gnomAD v4.1: 2 of 1,557,392 alleles (0.00013%); highest among the groups gnomAD compares: South Asian, 0.0012%; no homozygotes.

Submission:

Labcorp Genetics (formerly Invitae), Labcorp
Classification: Uncertain significance for Charcot-Marie-Tooth disease type 2. Last evaluated: 2021-08-24. Review status: criteria provided, single submitter. Criteria: Invitae Variant Classification Sherloc (09022015). Collection method: clinical testing. Allele origin: germline.
Comment: In summary, the available evidence is currently insufficient to determine the role of this variant in disease. Therefore, it has been classified as a Variant of Uncertain Significance. This sequence change replaces methionine with isoleucine at codon 559 of the MED25 protein (p.Met559Ile). The methionine residue is moderately conserved and there is a small physicochemical difference between methionine and isoleucine. The frequency data for this variant in the population databases is considered unreliable, as metrics indicate insufficient coverage at this position in the ExAC database. This variant has not been reported in the literature in individuals affected with MED25-related conditions. Algorithms developed to predict the effect of missense changes on protein structure and function output the following: SIFT: "Deleterious"; PolyPhen-2: "Benign"; Align-GVGD: "Class C0". The isoleucine amino acid residue is found in multiple mammalian species, which suggests that this missense change does not adversely affect protein function.